The following is an entry in ClinVar:

NM_002692.4(POLE2):c.506A>G (p.Glu169Gly)

Gene: POLE2 (DNA polymerase epsilon 2, accessory subunit; minus strand). Cytogenetic location: 14q21.3.
Variant type: single nucleotide variant.
Coding change: c.506A>G on transcript NM_002692.4 (MANE Select); coding-DNA position 506, A replaced by G.
Protein change: p.Glu169Gly; replaces glutamic acid 169 with glycine.
Molecular consequence: missense variant.
Genome position (GRCh38, 1-based): chr14:49,666,400, T>C on the plus strand (A>G on the coding strand, the complement: POLE2 is on the minus strand). VCF-style: chr14-49666400-T-C. GRCh37 (hg19) VCF-style: chr14-50133118-T-C.
Other names: c.428A>G, p.Glu143Gly (NM_001197330.2); c.506A>G, p.Glu169Gly (NM_001197331.3, NM_001348384.2); c.275A>G, p.Glu92Gly (NM_001348385.2); c.506A>G (NM_002692.3); short protein forms E169G, E92G, E143G.
Identifiers: ClinVar variation 1413105 (VCV001413105.9), dbSNP rs150596542, ClinGen allele CA7173585.

ClinVar aggregate classification (germline): Uncertain significance. Review status: criteria provided, multiple submitters, no conflicts (2 of 4 stars). 2 submissions from 2 submitters: Uncertain significance (2). Last evaluated 2025-12-17.

Allele frequency attached by ClinVar (database versions not stated): ESP Exome Variant Server 0.00008.
gnomAD v4.1: 91 of 1,451,316 alleles (0.0063%); highest among the groups gnomAD compares: Non-Finnish European, 0.0084%; 1 homozygote.

Submissions (2):

Labcorp Genetics (formerly Invitae), Labcorp
Classification: Uncertain significance. Last evaluated: 2025-12-17. Review status: criteria provided, single submitter. Criteria: Invitae Variant Classification Sherloc (09022015). Collection method: clinical testing. Allele origin: germline.
Comment: This sequence change replaces glutamic acid, which is acidic and polar, with glycine, which is neutral and non-polar, at codon 169 of the POLE2 protein (p.Glu169Gly). This variant is present in population databases (rs150596542, gnomAD 0.01%). This variant has not been reported in the literature in individuals affected with POLE2-related conditions. ClinVar contains an entry for this variant (Variation ID: 1413105). An algorithm developed to predict the effect of missense changes on protein structure and function (PolyPhen-2) suggests that this variant is likely to be disruptive. In summary, the available evidence is currently insufficient to determine the role of this variant in disease. Therefore, it has been classified as a Variant of Uncertain Significance.

Ambry Genetics
Classification: Uncertain significance. Last evaluated: 2022-09-14. Review status: criteria provided, single submitter. Criteria: Ambry Variant Classification Scheme 2023. Collection method: clinical testing. Allele origin: germline.